The following is an entry in ClinVar:

ClinVar aggregate classification (germline): Likely benign (1 of 4 stars; one submission).

Conditions:
Dyskeratosis congenita. Identifiers: Orphanet 1775, MedGen C0265965, MONDO:0015780.

Allele frequency attached by ClinVar (database versions not stated): gnomAD 0.00099 and 0.00106; 1000 Genomes Project 0.00100; TOPMed 0.00109; 1000 Genomes Project 30x 0.00125.

Submission:

Illumina Laboratory Services, Illumina
Classification: Likely benign for Dyskeratosis congenita. Last evaluated: 2018-01-12. Review status: criteria provided, single submitter. Criteria: ICSL Variant Classification Criteria 13 December 2019. Collection method: clinical testing. Allele origin: germline.
Comment: This variant was observed in the ICSL laboratory as part of a predisposition screen in an ostensibly healthy population. It had not been previously curated by ICSL or reported in the Human Gene Mutation Database (HGMD: prior to June 1st, 2018), and was therefore a candidate for classification through an automated scoring system. Utilizing variant allele frequency, disease prevalence and penetrance estimates, and inheritance mode, an automated score was calculated to assess if this variant is too frequent to cause the disease. Based on the score and internal cut-off values, a variant classified as likely benign is not then subjected to further curation. The score for this variant resulted in a classification of likely benign for this disease.

NM_025099.6(CTC1):c.*1205T>G

Gene: CTC1 (CST telomere replication complex component 1; minus strand). Cytogenetic location: 17p13.1.
Variant type: single nucleotide variant.
Coding change: c.*1205T>G on transcript NM_025099.6 (MANE Select); 1205 bases downstream of the stop codon, T replaced by G.
Molecular consequence: 3 prime UTR variant. On other transcripts: non-coding transcript variant (1).
Genome position (GRCh38, 1-based): chr17:8,226,975, A>C on the plus strand (T>G on the coding strand, the complement: CTC1 is on the minus strand). VCF-style: chr17-8226975-A-C. GRCh37 (hg19) VCF-style: chr17-8130293-A-C.
Identifiers: ClinVar variation 326032 (VCV000326032.5), dbSNP rs183725401, ClinGen allele CA10641028.
Genomic context (GRCh38, chr17:8,226,975, plus strand): 5'-ACTGGCTCCGGGTAGAAACTTCCGGATAACAGCAGAGGGTCAGAAAACAAAACACACACA[A>C]AAAAAAGCCACCCACTGGCCCGTACGGGGTTCGAACCCGCGACCTTGGCGTTATTAGCAC-3'